The following is an entry in ClinVar:

NM_133459.4(CCBE1):c.*3080A>G

Gene: CCBE1 (collagen and calcium binding EGF domains 1; minus strand). Cytogenetic location: 18q21.32.
Variant type: single nucleotide variant.
Coding change: c.*3080A>G on transcript NM_133459.4 (MANE Select); 3080 bases downstream of the stop codon, A replaced by G.
Molecular consequence: 3 prime UTR variant.
Genome position (GRCh38, 1-based): chr18:59,432,828, T>C on the plus strand (A>G on the coding strand, the complement: CCBE1 is on the minus strand). VCF-style: chr18-59432828-T-C. GRCh37 (hg19) VCF-style: chr18-57100060-T-C.
Other names: c.*3080A>G (LRG_1209t1).
Identifiers: ClinVar variation 327617 (VCV000327617.5), dbSNP rs147056520, ClinGen allele CA10647996.

ClinVar aggregate classification (germline): Likely benign (1 of 4 stars; one submission).

Conditions:
Hennekam lymphangiectasia-lymphedema syndrome 1 (HKLLS1). Also called: LYMPHATIC DYSPLASIA, GENERALIZED. Identifiers: Orphanet 2136, MedGen C4012050, MONDO:0009337, OMIM 235510.

Allele frequency attached by ClinVar (database versions not stated): 1000 Genomes Project 30x 0.00125; 1000 Genomes Project 0.00140; gnomAD 0.00225 and 0.00235; TOPMed 0.00235.

Submission:

Illumina Laboratory Services, Illumina
Classification: Likely benign for Hennekam lymphangiectasia-lymphedema syndrome 1. Last evaluated: 2018-01-13. Review status: criteria provided, single submitter. Criteria: ICSL Variant Classification Criteria 13 December 2019. Collection method: clinical testing. Allele origin: germline.
Comment: This variant was observed in the ICSL laboratory as part of a predisposition screen in an ostensibly healthy population. It had not been previously curated by ICSL or reported in the Human Gene Mutation Database (HGMD: prior to June 1st, 2018), and was therefore a candidate for classification through an automated scoring system. Utilizing variant allele frequency, disease prevalence and penetrance estimates, and inheritance mode, an automated score was calculated to assess if this variant is too frequent to cause the disease. Based on the score and internal cut-off values, a variant classified as likely benign is not then subjected to further curation. The score for this variant resulted in a classification of likely benign for this disease.